The following is an entry in ClinVar:

NM_000303.3(PMM2):c.682G>T (p.Gly228Cys)

Gene: PMM2 (phosphomannomutase 2; plus strand). Cytogenetic location: 16p13.2.
Variant type: single nucleotide variant.
Coding change: c.682G>T on transcript NM_000303.3 (MANE Select); coding-DNA position 682, G replaced by T.
Protein change: p.Gly228Cys; replaces glycine 228 with cysteine.
Molecular consequence: missense variant.
Genome position (GRCh38, 1-based): chr16:8,847,766, G>T. VCF-style: chr16-8847766-G-T. GRCh37 (hg19) VCF-style: chr16-8941623-G-T.
Other names: short protein forms G228C.
Identifiers: ClinVar variation 639185 (VCV000639185.58), dbSNP rs558826439, ClinGen allele CA394689532.

ClinVar aggregate classification (germline): Pathogenic/Likely pathogenic. Review status: criteria provided, multiple submitters, no conflicts (2 of 4 stars). 7 submissions from 7 submitters: Pathogenic (2); Likely pathogenic (5). Last evaluated 2024-06-04.

Conditions:
PMM2-congenital disorder of glycosylation. Also called: JAEKEN SYNDROME; PHOSPHOMANNOMUTASE 2 DEFICIENCY; CARBOHYDRATE-DEFICIENT GLYCOPROTEIN SYNDROME, TYPE Ia; PMM2-CDG; Congenital disorder of glycosylation, type Ia; CDG Ia. Identifiers: Orphanet 79318, MedGen C0349653, MONDO:0008907, OMIM 212065.

gnomAD v4.1: 2 of 1,614,064 alleles (0.00012%); highest among the groups gnomAD compares: Non-Finnish European, 0.00017%; no homozygotes.

Submissions (7):

Fulgent Genetics
Classification: Likely pathogenic for PMM2-congenital disorder of glycosylation. Last evaluated: 2024-06-04. Review status: criteria provided, single submitter. Criteria: ACMG Guidelines, 2015. Collection method: clinical testing. Allele origin: germline.

Natera, Inc.
Classification: Likely pathogenic for Congenital disorder of glycosylation type 1a. Last evaluated: 2024-05-29. Review status: criteria provided, single submitter. Criteria: Natera Variant Classification Schema (03/2026). Collection method: clinical testing. Allele origin: germline.
Comment: The c.682G>T variant in PMM2 is a missense variant predicted to cause substitution of glycine to cysteine at amino acid 228. This variant is rare in the general population with a frequency below the threshold expected for the associated phenotype(s). This variant has been observed in one or more individuals affected with the associated recessive disease, as either homozygous or compound heterozygous with a second variant (PMID: 37042760, 33960646, 28425223, 33743737, 23045520). This variant has been observed to segregate in affected family members (PMID: 37042760). Computational prediction algorithms indicate this variant is likely to affect gene or protein function. Given the available evidence, this variant is classified as Likely Pathogenic.

GeneDx
Classification: Likely pathogenic. Last evaluated: 2024-02-09. Review status: criteria provided, single submitter. Criteria: GeneDx Variant Classification Process June 2021. Collection method: clinical testing. Allele origin: germline. Affected: yes.
Comment: Not observed at significant frequency in large population cohorts (gnomAD); In silico analysis supports that this missense variant has a deleterious effect on protein structure/function; This variant is associated with the following publications: (PMID: 10527672, 33960646, 11058895, 25192236, 28425223, 16009061, 32892177, 23045520, 31307013, 37042760, 35789514)

Women's Health and Genetics/Laboratory Corporation of America, LabCorp
Classification: Likely pathogenic for PMM2-congenital disorder of glycosylation. Last evaluated: 2023-07-25. Review status: criteria provided, single submitter. Criteria: LabCorp Variant Classification Summary - May 2015. Collection method: clinical testing. Allele origin: germline.
Comment: Variant summary: PMM2 c.682G>T (p.Gly228Cys) results in a non-conservative amino acid change in the encoded protein sequence. Five of five in-silico tools predict a damaging effect of the variant on protein function. The variant was absent in 251268 control chromosomes (gnomAD). c.682G>T has been reported in the literature in individuals affected with Congenital Disorder Of Glycosylation Type 1a (examples: Matthijs_1999, Matthijs_2000, Coorg_2012, Vals_2017 Inci_2020). These data indicate that the variant is likely to be associated with disease. To our knowledge, no experimental evidence demonstrating an impact on protein function has been reported. The following publications have been ascertained in the context of this evaluation (PMID: 23045520, 33960646, 11058895, 10527672, 28425223). Four submitters have cited clinical-significance assessments for this variant to ClinVar after 2014. All submitters classified the variant as pathogenic/likely pathogenic. Based on the evidence outlined above, the variant was classified as likely pathogenic.

Labcorp Genetics (formerly Invitae), Labcorp
Classification: Pathogenic for PMM2-congenital disorder of glycosylation. Last evaluated: 2023-03-09. Review status: criteria provided, single submitter. Criteria: Invitae Variant Classification Sherloc (09022015). Collection method: clinical testing. Allele origin: germline.
Comment: This sequence change replaces glycine, which is neutral and non-polar, with cysteine, which is neutral and slightly polar, at codon 228 of the PMM2 protein (p.Gly228Cys). This variant is not present in population databases (gnomAD no frequency). This missense change has been observed in individual(s) with PMM2-congenital disorder of glycosylation (CDG-Ia) (PMID: 10527672, 11058895, 23045520, 25192236, 28425223). ClinVar contains an entry for this variant (Variation ID: 639185). Advanced modeling of protein sequence and biophysical properties (such as structural, functional, and spatial information, amino acid conservation, physicochemical variation, residue mobility, and thermodynamic stability) performed at Invitae indicates that this missense variant is expected to disrupt PMM2 protein function. This variant disrupts the p.Gly228 amino acid residue in PMM2. Other variant(s) that disrupt this residue have been observed in individuals with PMM2-related conditions (PMID: 11058895, 11058896), which suggests that this may be a clinically significant amino acid residue. For these reasons, this variant has been classified as Pathogenic.

Institute of Human Genetics, University of Leipzig Medical Center
Classification: Likely pathogenic for PMM2-congenital disorder of glycosylation. Last evaluated: 2022-01-06. Review status: criteria provided, single submitter. Criteria: ACMG Guidelines, 2015. Collection method: clinical testing. Allele origin: maternal. Inheritance: X-linked recessive inheritance. Affected: yes.
Comment: Criteria applied: PS4_MOD,PM3,PM2_SUP,PM5_SUP,PP3

CeGaT Center for Human Genetics Tuebingen
Classification: Pathogenic. Last evaluated: 2019-07-01. Review status: criteria provided, single submitter. Criteria: CeGaT Center For Human Genetics Tuebingen Variant Classification Criteria Version 2. Collection method: clinical testing. Allele origin: germline. Affected: yes. Observed: 4 variant alleles.

Literature cited by the submitters: PubMed 37042760 (cited by Natera, Inc.); PubMed 33960646 (cited by Natera, Inc. and Women's Health and Genetics/Laboratory Corporation of America, LabCorp); PubMed 28425223 (cited by 3 submitters); PubMed 33743737 (cited by Natera, Inc.); PubMed 23045520 (cited by 3 submitters); PubMed 10527672 (cited by Women's Health and Genetics/Laboratory Corporation of America, LabCorp and Labcorp Genetics (formerly Invitae), Labcorp); PubMed 11058895 (cited by Women's Health and Genetics/Laboratory Corporation of America, LabCorp and Labcorp Genetics (formerly Invitae), Labcorp); PubMed 25192236 (cited by Labcorp Genetics (formerly Invitae), Labcorp); PubMed 11058896 (cited by Labcorp Genetics (formerly Invitae), Labcorp).